The following is an entry in ClinVar:

NM_000465.4(BARD1):c.2071C>T (p.Leu691Phe)

Gene: BARD1 (BRCA1 associated RING domain 1; minus strand). Cytogenetic location: 2q35.
Variant type: single nucleotide variant.
Coding change: c.2071C>T on transcript NM_000465.4 (MANE Select); coding-DNA position 2071, C replaced by T.
Protein change: p.Leu691Phe; replaces leucine 691 with phenylalanine.
Molecular consequence: missense variant. On other transcripts: non-coding transcript variant (3).
Genome position (GRCh38, 1-based): chr2:214,728,939, G>A on the plus strand (C>T on the coding strand, the complement: BARD1 is on the minus strand). VCF-style: chr2-214728939-G-A. GRCh37 (hg19) VCF-style: chr2-215593663-G-A.
Other names: c.2014C>T, p.Leu672Phe (NM_001282543.2); c.718C>T, p.Leu240Phe (NM_001282545.2); c.661C>T, p.Leu221Phe (NM_001282548.2); c.532C>T, p.Leu178Phe (NM_001282549.2); short protein forms L691F, L221F, L240F, L672F, L178F.
Identifiers: ClinVar variation 406765 (VCV000406765.25), dbSNP rs1036838204, ClinGen allele CA16610718.

ClinVar aggregate classification (germline): Uncertain significance. Review status: criteria provided, multiple submitters, no conflicts (2 of 4 stars). 7 submissions from 7 submitters: Uncertain significance (7). Last evaluated 2026-01-21.

Conditions:
Hereditary cancer-predisposing syndrome. Also called: Hereditary Cancer Syndrome; Hereditary neoplastic syndrome; Neoplastic Syndromes, Hereditary; Tumor predisposition. Identifiers: Orphanet 140162, MedGen C0027672, MeSH D009386, MONDO:0015356.
Familial cancer of breast. Also called: BREAST CANCER, FAMILIAL; Hereditary breast cancer; hereditary breast carcinoma. Identifiers: Orphanet 227535, MedGen C0346153, MONDO:0016419, OMIM 114480. Disease mechanism: loss of function.

Allele frequency attached by ClinVar (database versions not stated): TOPMed below 0.00001; gnomAD 0.00001.
gnomAD v4.1: 16 of 1,614,046 alleles (0.00099%); highest among the groups gnomAD compares: Non-Finnish European, 0.0014%; no homozygotes.

Submissions (7):

Labcorp Genetics (formerly Invitae), Labcorp
Classification: Uncertain significance for Familial cancer of breast. Last evaluated: 2026-01-21. Review status: criteria provided, single submitter. Criteria: Invitae Variant Classification Sherloc (09022015). Collection method: clinical testing. Allele origin: germline.
Comment: This sequence change replaces leucine, which is neutral and non-polar, with phenylalanine, which is neutral and non-polar, at codon 691 of the BARD1 protein (p.Leu691Phe). This variant is not present in population databases (gnomAD no frequency). This variant has not been reported in the literature in individuals affected with BARD1-related conditions. ClinVar contains an entry for this variant (Variation ID: 406765). An algorithm developed to predict the effect of missense changes on protein structure and function (PolyPhen-2) suggests that this variant is likely to be disruptive. In summary, the available evidence is currently insufficient to determine the role of this variant in disease. Therefore, it has been classified as a Variant of Uncertain Significance.

Color Diagnostics, LLC DBA Color Health
Classification: Uncertain significance for Hereditary cancer-predisposing syndrome. Last evaluated: 2025-09-05. Review status: criteria provided, single submitter. Criteria: ACMG Guidelines, 2015. Collection method: clinical testing. Allele origin: germline.
Comment: This missense variant replaces leucine with phenylalanine at codon 691 of the BARD1 protein. Computational prediction is inconclusive regarding the impact of this variant on protein structure and function. To our knowledge, functional studies have not been reported for this variant. This variant has been reported in individuals affected with breast cancer (PMID: 33471991). This variant has not been identified in the general population by the Genome Aggregation Database (gnomAD). The available evidence is insufficient to determine the role of this variant in disease conclusively. Therefore, this variant is classified as a Variant of Uncertain Significance.

Ambry Genetics
Classification: Uncertain significance for Hereditary cancer-predisposing syndrome. Last evaluated: 2024-11-30. Review status: criteria provided, single submitter. Criteria: Ambry Variant Classification Scheme 2023. Collection method: clinical testing. Allele origin: germline.
Comment: The p.L691F variant (also known as c.2071C>T), located in coding exon 11 of the BARD1 gene, results from a C to T substitution at nucleotide position 2071. The leucine at codon 691 is replaced by phenylalanine, an amino acid with highly similar properties. This variant was reported in 2/60,466 breast cancer cases and in 0/53,461 controls (Dorling et al. N Engl J Med. 2021 02;384:428-439). This variant was identified in a cohort of 3,579 African males diagnosed with prostate cancer who underwent multi-gene panel testing of 19 DNA repair and cancer predisposition genes (Matejcic M et al. JCO Precis Oncol, 2020 Jan;4:32-43). This amino acid position is highly conserved in available vertebrate species. In addition, the in silico prediction for this alteration is inconclusive. Since supporting evidence is limited at this time, the clinical significance of this alteration remains unclear.

Baylor Genetics
Classification: Uncertain significance for Familial cancer of breast. Last evaluated: 2023-11-23. Review status: criteria provided, single submitter. Criteria: ACMG Guidelines, 2015. Collection method: clinical testing. Allele origin: unknown.

Institute for Biomarker Research, Medical Diagnostic Laboratories, L.L.C.
Classification: Uncertain significance for Hereditary cancer-predisposing syndrome. Last evaluated: 2022-06-15. Review status: criteria provided, single submitter. Criteria: ACMG Guidelines, 2015. Collection method: clinical testing. Allele origin: germline.

GeneDx
Classification: Uncertain significance. Last evaluated: 2021-09-21. Review status: criteria provided, single submitter. Criteria: GeneDx Variant Classification Process June 2021. Collection method: clinical testing. Allele origin: germline. Affected: yes.
Comment: Not observed at significant frequency in large population cohorts (Lek 2016); In silico analysis supports that this missense variant has a deleterious effect on protein structure/function; Has not been previously published as pathogenic or benign to our knowledge; This variant is associated with the following publications: (PMID: 17550235)

Women's Health and Genetics/Laboratory Corporation of America, LabCorp
Classification: Uncertain significance. Last evaluated: 2017-05-08. Review status: criteria provided, single submitter. Criteria: LabCorp Variant Classification Summary - May 2015. Collection method: clinical testing. Allele origin: germline.
Comment: Variant summary: The BARD1 c.2071C>T (p.Leu691Phe) variant involves the alteration of a conserved nucleotide. 3/4 in silico tools predict a damaging outcome for this variant (SNPsandGO not captured due to low reliability index). This variant is absent in 121104 control chromosomes. In addition, one clinical diagnostic laboratory classified this variant as uncertain significance. The variant of interest has not, to our knowledge, been reported in affected individuals via publications and/or reputable databases/clinical diagnostic laboratories; nor evaluated for functional impact by in vivo/vitro studies. Because of the absence of clinical information and the lack of functional studies, the variant is classified as a variant of uncertain significance (VUS) until additional information becomes available.

Literature cited by the submitters: PubMed 33471991 (cited by Color Diagnostics, LLC DBA Color Health and Ambry Genetics); PubMed 32832836 (cited by Ambry Genetics).